The following is an entry in ClinVar:

NM_006767.4(LZTR1):c.730T>G (p.Ser244Ala)

Gene: LZTR1 (leucine zipper like post translational regulator 1; plus strand). Cytogenetic location: 22q11.21.
Variant type: single nucleotide variant.
Coding change: c.730T>G on transcript NM_006767.4 (MANE Select); coding-DNA position 730, T replaced by G.
Protein change: p.Ser244Ala; replaces serine 244 with alanine.
Molecular consequence: missense variant.
Genome position (GRCh38, 1-based): chr22:20,990,464, T>G. VCF-style: chr22-20990464-T-G. GRCh37 (hg19) VCF-style: chr22-21344753-T-G.
Other names: short protein forms S244A.
Identifiers: ClinVar variation 3541654 (VCV003541654.1).
Genomic context (GRCh38, chr22:20,990,464, plus strand): 5'-ATCCCCCCATCTTGCTGCAACTTCCCCGTGGCTGTGTGCCGGGACAAGATGTTTGTATTC[T>G]CTGGGCAAAGCGGAGCCAAAATAACCAACAACCTCTTCCAGTTTGAATTCAAGGACAAGA-3'
Protein context (NP_006758.2, residues 234-254): AVCRDKMFVF[Ser244Ala]GQSGAKITNN

ClinVar aggregate classification (germline): Uncertain significance (1 of 4 stars; one submission).

Conditions:
Hereditary cancer-predisposing syndrome. Also called: Hereditary Cancer Syndrome; Hereditary neoplastic syndrome; Tumor predisposition; Neoplastic Syndromes, Hereditary. Identifiers: Orphanet 140162, MedGen C0027672, MeSH D009386, MONDO:0015356.
Cardiovascular phenotype. Identifiers: MedGen CN230736.

Submission:

Ambry Genetics
Classification: Uncertain significance for Cardiovascular phenotype; Hereditary cancer-predisposing syndrome. Last evaluated: 2024-10-15. Review status: criteria provided, single submitter. Criteria: Ambry Variant Classification Scheme 2023. Collection method: clinical testing. Allele origin: germline.
Comment: The p.S244A variant (also known as c.730T>G), located in coding exon 8 of the LZTR1 gene, results from a T to G substitution at nucleotide position 730. The serine at codon 244 is replaced by alanine, an amino acid with similar properties. This amino acid position is conserved. In addition, the in silico prediction for this alteration is inconclusive. Based on the available evidence, the clinical significance of this variant remains unclear.